The following is an entry in ClinVar:

NC_000005.10:g.(?_132384127)_(132392635_?)del

Genes: SLC22A5 (solute carrier family 22 member 5; plus strand), LOC129994570 (ATAC-STARR-seq lymphoblastoid active region 23068; plus strand), LOC129994571 (ATAC-STARR-seq lymphoblastoid active region 23069; plus strand), LOC129994572 (ATAC-STARR-seq lymphoblastoid active region 23070; plus strand). Cytogenetic location: 5q31.1.
Variant type: Deletion.
Identifiers: ClinVar variation 649071 (VCV000649071.1).

ClinVar aggregate classification (germline): Pathogenic (1 of 4 stars; one submission).

Conditions:
Renal carnitine transport defect (CDSP). Also called: Carnitine transporter deficiency; Carnitine Deficiency, Systemic; Systemic primary carnitine deficiency; CARNITINE DEFICIENCY, SYSTEMIC, DUE TO DEFECT IN RENAL REABSORPTION OF CARNITINE; CARNITINE TRANSPORTER, PLASMA-MEMBRANE, DEFICIENCY OF; CARNITINE UPTAKE DEFECT. Identifiers: Orphanet 158, MedGen C0342788, MONDO:0008919, OMIM 212140.

Submission:

Labcorp Genetics (formerly Invitae), Labcorp
Classification: Pathogenic for Renal carnitine transport defect. Last evaluated: 2018-08-10. Review status: criteria provided, single submitter. Criteria: Invitae Variant Classification Sherloc (09022015). Collection method: clinical testing. Allele origin: germline.
Comment: This variant is an out-of-frame deletion of the genomic region encompassing exons 3-8 of the SLC22A5 gene. This is expected to create a premature translational stop signal and result in an absent or disrupted protein product. This variant has been observed in individuals affected with primary carnitine deficiency (Invitae and an online resource). Loss-of-function variants in SLC22A5 are known to be pathogenic (PMID: 9916797). For these reasons, this variant has been classified as Pathogenic.